The following is an entry in ClinVar:

ClinVar aggregate classification (germline): Uncertain significance. Review status: criteria provided, multiple submitters, no conflicts (2 of 4 stars). 2 submissions from 2 submitters: Uncertain significance (2). Last evaluated 2025-07-15.

Conditions:
Inborn genetic diseases. Identifiers: MedGen C0950123, MeSH D030342.

Allele frequency attached by ClinVar (database versions not stated): gnomAD 0.00001; TOPMed 0.00002; gnomAD exomes 0.00006; ExAC 0.00012.
gnomAD v4.1: 51 of 1,592,390 alleles (0.0032%); highest among the groups gnomAD compares: South Asian, 0.056%; no homozygotes.

Submissions (2):

Ambry Genetics
Classification: Uncertain significance for Inborn genetic diseases. Last evaluated: 2025-07-15. Review status: criteria provided, single submitter. Criteria: Ambry Variant Classification Scheme 2023. Collection method: clinical testing. Allele origin: germline.

Labcorp Genetics (formerly Invitae), Labcorp
Classification: Uncertain significance. Last evaluated: 2024-02-24. Review status: criteria provided, single submitter. Criteria: Invitae Variant Classification Sherloc (09022015). Collection method: clinical testing. Allele origin: germline.
Comment: This sequence change replaces threonine, which is neutral and polar, with isoleucine, which is neutral and non-polar, at codon 963 of the TUBGCP6 protein (p.Thr963Ile). This variant is present in population databases (rs753044519, gnomAD 0.05%). This variant has not been reported in the literature in individuals affected with TUBGCP6-related conditions. ClinVar contains an entry for this variant (Variation ID: 1059334). An algorithm developed to predict the effect of missense changes on protein structure and function (PolyPhen-2) suggests that this variant is likely to be tolerated. In summary, the available evidence is currently insufficient to determine the role of this variant in disease. Therefore, it has been classified as a Variant of Uncertain Significance.

NM_020461.4(TUBGCP6):c.2888C>T (p.Thr963Ile)

Gene: TUBGCP6 (tubulin gamma complex component 6; minus strand). Cytogenetic location: 22q13.33.
Variant type: single nucleotide variant.
Coding change: c.2888C>T on transcript NM_020461.4 (MANE Select); coding-DNA position 2888, C replaced by T.
Protein change: p.Thr963Ile; replaces threonine 963 with isoleucine.
Molecular consequence: missense variant.
Genome position (GRCh38, 1-based): chr22:50,221,471, G>A on the plus strand (C>T on the coding strand, the complement: TUBGCP6 is on the minus strand). VCF-style: chr22-50221471-G-A. GRCh37 (hg19) VCF-style: chr22-50659900-G-A.
Other names: c.2888C>T (NM_020461.3); short protein forms T963I.
Identifiers: ClinVar variation 1059334 (VCV001059334.11), dbSNP rs753044519, ClinGen allele CA10308094.